The following is an entry in ClinVar:

NM_000083.3(CLCN1):c.2947G>A (p.Glu983Lys)

Gene: CLCN1 (chloride voltage-gated channel 1; plus strand). Cytogenetic location: 7q34.
Variant type: single nucleotide variant.
Coding change: c.2947G>A on transcript NM_000083.3 (MANE Select); coding-DNA position 2947, G replaced by A.
Protein change: p.Glu983Lys; replaces glutamic acid 983 with lysine.
Molecular consequence: missense variant. On other transcripts: non-coding transcript variant (1).
Genome position (GRCh38, 1-based): chr7:143,351,945, G>A. VCF-style: chr7-143351945-G-A. GRCh37 (hg19) VCF-style: chr7-143049038-G-A.
Other names: short protein forms E983K.
Identifiers: ClinVar variation 2928849 (VCV002928849.3), dbSNP rs1455282239, ClinGen allele CA369654310.

ClinVar aggregate classification (germline): Uncertain significance (1 of 4 stars; one submission).

Conditions:
Congenital myotonia, autosomal dominant form (THD). Also called: THOMSEN DISEASE; Myotonia congenita autosomal dominant. Identifiers: Orphanet 614, MedGen C2936781, MONDO:0008055, OMIM 160800.
Congenital myotonia, autosomal recessive form. Also called: BECKER DISEASE; Becker Generalized Myotonia; myotonia congenita, autosomal recessive. Identifiers: Orphanet 614, MedGen C0751360, MONDO:0009715, OMIM 255700.

Allele frequency attached by ClinVar (database versions not stated): gnomAD exomes below 0.00001.
gnomAD v4.1: 1 of 1,613,090 alleles (0.000062%); highest among the groups gnomAD compares: East Asian, 0.0022%; no homozygotes.

Submission:

Labcorp Genetics (formerly Invitae), Labcorp
Classification: Uncertain significance for Congenital myotonia, autosomal recessive form; Congenital myotonia, autosomal dominant form. Last evaluated: 2023-09-05. Review status: criteria provided, single submitter. Criteria: Invitae Variant Classification Sherloc (09022015). Collection method: clinical testing. Allele origin: germline.
Comment: In summary, the available evidence is currently insufficient to determine the role of this variant in disease. Therefore, it has been classified as a Variant of Uncertain Significance. Advanced modeling of protein sequence and biophysical properties (such as structural, functional, and spatial information, amino acid conservation, physicochemical variation, residue mobility, and thermodynamic stability) performed at Invitae indicates that this missense variant is not expected to disrupt CLCN1 protein function. This variant has not been reported in the literature in individuals affected with CLCN1-related conditions. This variant is present in population databases (no rsID available, gnomAD 0.006%). This sequence change replaces glutamic acid, which is acidic and polar, with lysine, which is basic and polar, at codon 983 of the CLCN1 protein (p.Glu983Lys).